The following is an entry in ClinVar:

NM_003816.3(ADAM9):c.1871G>A (p.Gly624Asp)

Gene: ADAM9 (ADAM metallopeptidase domain 9; plus strand). Cytogenetic location: 8p11.22.
Variant type: single nucleotide variant.
Coding change: c.1871G>A on transcript NM_003816.3 (MANE Select); coding-DNA position 1871, G replaced by A.
Protein change: p.Gly624Asp; replaces glycine 624 with aspartic acid.
Molecular consequence: missense variant. On other transcripts: non-coding transcript variant (3).
Genome position (GRCh38, 1-based): chr8:39,077,401, G>A. VCF-style: chr8-39077401-G-A. GRCh37 (hg19) VCF-style: chr8-38934920-G-A.
Other names: short protein forms G624D.
Identifiers: ClinVar variation 2186957 (VCV002186957.4), dbSNP rs775262592, ClinGen allele CA4721733.

ClinVar aggregate classification (germline): Uncertain significance (1 of 4 stars; one submission).

gnomAD v4.1: 12 of 1,610,990 alleles (0.00074%); highest among the groups gnomAD compares: Non-Finnish European, 0.001%; no homozygotes.

Submission:

Labcorp Genetics (formerly Invitae), Labcorp
Classification: Uncertain significance. Last evaluated: 2024-10-26. Review status: criteria provided, single submitter. Criteria: Invitae Variant Classification Sherloc (09022015). Collection method: clinical testing. Allele origin: germline.
Comment: This sequence change replaces glycine, which is neutral and non-polar, with aspartic acid, which is acidic and polar, at codon 624 of the ADAM9 protein (p.Gly624Asp). This variant is present in population databases (rs775262592, gnomAD 0.0009%). This variant has not been reported in the literature in individuals affected with ADAM9-related conditions. ClinVar contains an entry for this variant (Variation ID: 2186957). Invitae Evidence Modeling of protein sequence and biophysical properties (such as structural, functional, and spatial information, amino acid conservation, physicochemical variation, residue mobility, and thermodynamic stability) indicates that this missense variant is not expected to disrupt ADAM9 protein function with a negative predictive value of 80%. In summary, the available evidence is currently insufficient to determine the role of this variant in disease. Therefore, it has been classified as a Variant of Uncertain Significance.